The following is an entry in ClinVar:

NM_016580.4(PCDH12):c.2017C>G (p.Leu673Val)

Genes: PCDH12 (protocadherin 12; minus strand), RNF14 (ring finger protein 14; plus strand). Cytogenetic location: 5q31.3.
Variant type: single nucleotide variant.
Coding change: c.2017C>G on transcript NM_016580.4 (MANE Select); coding-DNA position 2017, C replaced by G.
Protein change: p.Leu673Val; replaces leucine 673 with valine.
Molecular consequence: missense variant.
Genome position (GRCh38, 1-based): chr5:141,955,835, G>C on the plus strand (C>G on the coding strand, the complement: PCDH12 is on the minus strand). VCF-style: chr5-141955835-G-C. GRCh37 (hg19) VCF-style: chr5-141335400-G-C.
Other names: short protein forms L673V.
Identifiers: ClinVar variation 2028040 (VCV002028040.4), dbSNP rs1753172074, ClinGen allele CA361579765.
Genomic context (GRCh38, chr5:141,955,835, plus strand): 5'-CCCTCAACAGGGCTCGGGTCTGTAAGGGGGGGCTTCCCTGGTCCTCTACTACTATCTCCA[G>C]CTCCCACTCACTCCCAATGAGGCTGCTGGCATTGGTGACATTGACGAACAGCTGCCCCGT-3'
Protein context (NP_057664.1, residues 663-683): ASSLIGSEWE[Leu673Val]EIVVEDQGSP

ClinVar aggregate classification (germline): Uncertain significance (1 of 4 stars; one submission).

Submission:

Labcorp Genetics (formerly Invitae), Labcorp
Classification: Uncertain significance. Last evaluated: 2021-12-03. Review status: criteria provided, single submitter. Criteria: Invitae Variant Classification Sherloc (09022015). Collection method: clinical testing. Allele origin: germline.
Comment: In summary, the available evidence is currently insufficient to determine the role of this variant in disease. Therefore, it has been classified as a Variant of Uncertain Significance. Advanced modeling of protein sequence and biophysical properties (such as structural, functional, and spatial information, amino acid conservation, physicochemical variation, residue mobility, and thermodynamic stability) performed at Invitae indicates that this missense variant is not expected to disrupt PCDH12 protein function. This variant has not been reported in the literature in individuals affected with PCDH12-related conditions. This variant is not present in population databases (gnomAD no frequency). This sequence change replaces leucine, which is neutral and non-polar, with valine, which is neutral and non-polar, at codon 673 of the PCDH12 protein (p.Leu673Val).